The following is an entry in ClinVar:

ClinVar aggregate classification (germline): Conflicting classifications of pathogenicity. Review status: criteria provided, conflicting classifications (1 of 4 stars). 3 submissions from 3 submitters: Uncertain significance (2); Likely benign (1). Last evaluated 2025-11-05.

Conditions:
Inborn genetic diseases. Identifiers: MedGen C0950123, MeSH D030342.

Allele frequency attached by ClinVar (database versions not stated): TOPMed 0.00006; ESP Exome Variant Server 0.00008; ExAC 0.00003; gnomAD 0.00009; gnomAD exomes 0.00001.
gnomAD v4.1: 24 of 1,612,320 alleles (0.0015%); highest among the groups gnomAD compares: African/African-American, 0.027%; no homozygotes.

Submissions (3):

Ambry Genetics
Classification: Uncertain significance for Inborn genetic diseases. Last evaluated: 2025-11-05. Review status: criteria provided, single submitter. Criteria: Ambry Variant Classification Scheme 2023. Collection method: clinical testing. Allele origin: germline.

GeneDx
Classification: Uncertain significance. Last evaluated: 2024-06-25. Review status: criteria provided, single submitter. Criteria: GeneDx Variant Classification Process June 2021. Collection method: clinical testing. Allele origin: germline. Affected: yes.
Comment: In silico analysis supports that this missense variant has a deleterious effect on protein structure/function; Has not been previously published as pathogenic or benign to our knowledge

Labcorp Genetics (formerly Invitae), Labcorp
Classification: Likely benign. Last evaluated: 2023-09-06. Review status: criteria provided, single submitter. Criteria: Invitae Variant Classification Sherloc (09022015). Collection method: clinical testing. Allele origin: germline.

NM_016239.4(MYO15A):c.4745T>C (p.Leu1582Pro)

Gene: MYO15A (myosin XVA; plus strand). Cytogenetic location: 17p11.2.
Variant type: single nucleotide variant.
Coding change: c.4745T>C on transcript NM_016239.4 (MANE Select); coding-DNA position 4745, T replaced by C.
Protein change: p.Leu1582Pro; replaces leucine 1582 with proline.
Molecular consequence: missense variant.
Genome position (GRCh38, 1-based): chr17:18,136,652, T>C. VCF-style: chr17-18136652-T-C. GRCh37 (hg19) VCF-style: chr17-18039966-T-C.
Other names: c.4745T>C (NM_016239.3); short protein forms L1582P.
Identifiers: ClinVar variation 2041918 (VCV002041918.6), dbSNP rs377627270, ClinGen allele CA8424010.
Genomic context (GRCh38, chr17:18,136,652, plus strand): 5'-TGCTGTTCAGCTGGCTCATCACCAGGGTCAACGCGCTGGTGTCCCCAAGGCAGGACACAC[T>C]GTCCATCGCCATCCTGGACATCTATGGTTTCGAGGTGGGGCCGTGTAGGAGGCTGAGGGG-3'
Protein context (NP_057323.3, residues 1572-1592): NALVSPRQDT[Leu1582Pro]SIAILDIYGF